The following is an entry in ClinVar:

ClinVar aggregate classification (germline): Uncertain significance. Review status: criteria provided, multiple submitters, no conflicts (2 of 4 stars). 2 submissions from 2 submitters: Uncertain significance (2). Last evaluated 2023-04-19.

Conditions:
Inborn genetic diseases. Identifiers: MedGen C0950123, MeSH D030342.
Benign neonatal seizures. Also called: Benign neonatal familial convulsions; Benign familial neonatal seizures; Convulsions benign familial neonatal dominant form; Autosomal dominant form of benign neonatal seizures; Benign familial neonatal epilepsy. Identifiers: Orphanet 1949, MedGen C0220669, MONDO:0016027.

Submissions (2):

Ambry Genetics
Classification: Uncertain significance for Inborn genetic diseases. Last evaluated: 2023-04-19. Review status: criteria provided, single submitter. Criteria: Ambry Variant Classification Scheme 2023. Collection method: clinical testing. Allele origin: germline.

Labcorp Genetics (formerly Invitae), Labcorp
Classification: Uncertain significance for Benign neonatal seizures. Last evaluated: 2021-07-07. Review status: criteria provided, single submitter. Criteria: Invitae Variant Classification Sherloc (09022015). Collection method: clinical testing. Allele origin: germline.
Comment: This sequence change replaces alanine with aspartic acid at codon 177 of the KCNQ3 protein (p.Ala177Asp). The alanine residue is highly conserved and there is a moderate physicochemical difference between alanine and aspartic acid. This variant is not present in population databases (ExAC no frequency). This variant has not been reported in the literature in individuals affected with KCNQ3-related conditions. Advanced modeling of protein sequence and biophysical properties (such as structural, functional, and spatial information, amino acid conservation, physicochemical variation, residue mobility, and thermodynamic stability) performed at Invitae indicates that this missense variant is expected to disrupt KCNQ3 protein function. In summary, the available evidence is currently insufficient to determine the role of this variant in disease. Therefore, it has been classified as a Variant of Uncertain Significance.

NM_004519.4(KCNQ3):c.530C>A (p.Ala177Asp)

Gene: KCNQ3 (potassium voltage-gated channel subfamily Q member 3; minus strand). Cytogenetic location: 8q24.22.
Variant type: single nucleotide variant.
Coding change: c.530C>A on transcript NM_004519.4 (MANE Select); coding-DNA position 530, C replaced by A.
Protein change: p.Ala177Asp; replaces alanine 177 with aspartic acid.
Molecular consequence: missense variant.
Genome position (GRCh38, 1-based): chr8:132,184,315, G>T on the plus strand (C>A on the coding strand, the complement: KCNQ3 is on the minus strand). VCF-style: chr8-132184315-G-T. GRCh37 (hg19) VCF-style: chr8-133196562-G-T.
Other names: c.530C>A (NM_004519.3); c.170C>A, p.Ala57Asp (NM_001204824.2); short protein forms A57D, A177D.
Identifiers: ClinVar variation 1519414 (VCV001519414.9), dbSNP rs2130176444, ClinGen allele CA372291185.